The following is an entry in ClinVar:

ClinVar aggregate classification (germline): Uncertain significance (1 of 4 stars; one submission).

Conditions:
Bethlem myopathy 1A. Also called: MYOPATHY, BENIGN CONGENITAL, WITH CONTRACTURES; Bethlem myopathy 1; Bethlem Muscular Dystrophy. Identifiers: Orphanet 610, MedGen CN029274, MONDO:0024530, OMIM 158810.

Submission:

Labcorp Genetics (formerly Invitae), Labcorp
Classification: Uncertain significance for Bethlem myopathy 1A. Last evaluated: 2024-02-24. Review status: criteria provided, single submitter. Criteria: Invitae Variant Classification Sherloc (09022015). Collection method: clinical testing. Allele origin: germline.
Comment: This sequence change replaces leucine, which is neutral and non-polar, with valine, which is neutral and non-polar, at codon 2008 of the COL6A3 protein (p.Leu2008Val). This variant is not present in population databases (gnomAD no frequency). This variant has not been reported in the literature in individuals affected with COL6A3-related conditions. ClinVar contains an entry for this variant (Variation ID: 859354). Advanced modeling of protein sequence and biophysical properties (such as structural, functional, and spatial information, amino acid conservation, physicochemical variation, residue mobility, and thermodynamic stability) performed at Invitae indicates that this missense variant is not expected to disrupt COL6A3 protein function with a negative predictive value of 80%. In summary, the available evidence is currently insufficient to determine the role of this variant in disease. Therefore, it has been classified as a Variant of Uncertain Significance.

NM_004369.4(COL6A3):c.6022C>G (p.Leu2008Val)

Gene: COL6A3 (collagen type VI alpha 3 chain; minus strand). Cytogenetic location: 2q37.3.
Variant type: single nucleotide variant.
Coding change: c.6022C>G on transcript NM_004369.4 (MANE Select); coding-DNA position 6022, C replaced by G.
Protein change: p.Leu2008Val; replaces leucine 2008 with valine.
Molecular consequence: missense variant.
Genome position (GRCh38, 1-based): chr2:237,363,294, G>C on the plus strand (C>G on the coding strand, the complement: COL6A3 is on the minus strand). VCF-style: chr2-237363294-G-C. GRCh37 (hg19) VCF-style: chr2-238271937-G-C.
Other names: c.4201C>G, p.Leu1401Val (NM_057166.5); c.5404C>G, p.Leu1802Val (NM_057167.4); short protein forms L2008V, L1401V, L1802V.
Identifiers: ClinVar variation 859354 (VCV000859354.8), dbSNP rs1211265308, ClinGen allele CA351218865.